The following is an entry in ClinVar:

NC_000011.9:g.(?_31284590)_(32456911_?)del

Genes: ELP4 (elongator acetyltransferase complex subunit 4; plus strand), PAX6 (paired box 6; minus strand), DCDC1 (doublecortin domain containing 1; minus strand), RCN1 (reticulocalbin 1; plus strand), WT1 (WT1 transcription factor; minus strand) and 2 more. Cytogenetic location: 11p13.
Variant type: Deletion.
Identifiers: ClinVar variation 583750 (VCV000583750.3).

ClinVar aggregate classification (germline): Pathogenic. Review status: criteria provided, single submitter (1 of 4 stars). 2 submissions from 1 submitter: Pathogenic (2). Last evaluated 2020-07-24.

Conditions:
Irido-corneo-trabecular dysgenesis (ASGD5). Also called: ANTERIOR SEGMENT DYSGENESIS 5. Identifiers: Orphanet 708, MedGen C0344559, MONDO:0011414, OMIM 604229, HP:0000659.
Aniridia 1 (AN1). Identifiers: Orphanet 250923, MedGen C0344542, MONDO:0024507, OMIM 106210.
Frasier syndrome. Identifiers: Orphanet 347, MedGen C0950122, MeSH D052159, MONDO:0007635, OMIM 136680.
Wilms tumor 1 (WT1). Also called: Wilms tumor, somatic. Identifiers: Orphanet 654, MedGen CN033288, MONDO:0008679, OMIM 194070.
11p partial monosomy syndrome (WAGR). Also called: WAGR Complex; WAGR syndrome; WAGR Spectrum Disorder; CHROMOSOME 11p13 DELETION SYNDROME. Identifiers: Orphanet 893, MedGen C0206115, MONDO:0008681, OMIM 194072.
Drash syndrome (DDS). Also called: NEPHROPATHY, WILMS TUMOR, AND GENITAL ANOMALIES; WILMS TUMOR AND PSEUDO- OR TRUE HERMAPHRODITISM. Identifiers: Orphanet 220, MedGen C0950121, MONDO:0008682, OMIM 194080.

Submissions (2):

Labcorp Genetics (formerly Invitae), Labcorp
Classification: Pathogenic for Wilms tumor 1; Drash syndrome; 11p partial monosomy syndrome; Frasier syndrome. Last evaluated: 2020-07-24. Review status: criteria provided, single submitter. Criteria: Invitae Variant Classification Sherloc (09022015). Collection method: clinical testing. Allele origin: germline.
Comment: A gross deletion of the genomic region encompassing the full coding sequence of the WT1 gene has been identified. The boundaries of this event are unknown as the deletion extends beyond the assayed region for this gene and therefore may encompass additional genes. Deletion of the WT1 gene has been reported in an individual affected with Wilms tumor and developmental structural anomalies of the genitourinary tract (PMID: 15150775). In addition, it has been reported as part of a larger deletion with the PAX6 gene in individuals affected with WAGR syndrome (PMID: 17630404, 24138039) Loss-of-function variants in WT1 are known to be pathogenic (PMID: 15150775). For these reasons, this variant has been classified as Pathogenic.

Labcorp Genetics (formerly Invitae), Labcorp
Classification: Pathogenic for Aniridia 1; Irido-corneo-trabecular dysgenesis. Last evaluated: 2019-03-29. Review status: criteria provided, single submitter. Criteria: Invitae Variant Classification Sherloc (09022015). Collection method: clinical testing. Allele origin: germline.
Comment: A gross deletion of the genomic region encompassing the full coding sequence of the PAX6 gene has been identified. The boundaries of this event are unknown as the deletion extends beyond the assayed region for this gene and therefore may encompass additional genes. Deletion of the PAX6 gene has been reported in individuals affected with aniridia (PMID: 27124303, 26661695). In addition, it has been reported as part of a larger deletion with the WT1 gene in individuals affected with WAGR syndrome (PMID: 17630404, 24138039). Loss-of-function variants in PAX6 are known to be pathogenic (PMID: 12634864). For these reasons, this variant has been classified as Pathogenic.

Literature cited by the submitters: PubMed 15150775; PubMed 17630404; PubMed 24138039; PubMed 26661695; PubMed 27124303.